The following is an entry in ClinVar:

ClinVar aggregate classification (germline): Conflicting classifications of pathogenicity. Review status: criteria provided, conflicting classifications (1 of 4 stars). 3 submissions from 3 submitters: Uncertain significance (1); Benign (1); Likely benign (1). Last evaluated 2026-04-14.

Conditions:
PHIP-related disorder. Also called: PHIP-related condition; PHIP-related disorders.
Inborn genetic diseases. Identifiers: MedGen C0950123, MeSH D030342.

Allele frequency attached by ClinVar (database versions not stated): gnomAD 0.00001; ExAC 0.00003; TOPMed 0.00003; ESP Exome Variant Server 0.00008.
gnomAD v4.1: 25 of 1,613,686 alleles (0.0015%); highest among the groups gnomAD compares: Middle Eastern, 0.016%; no homozygotes.

Submissions (3):

PreventionGenetics, part of Exact Sciences
Classification: Uncertain significance for PHIP-related condition. Last evaluated: 2026-04-14. Review status: criteria provided, single submitter. Criteria: ACMG Guidelines, 2015. Collection method: clinical testing. Allele origin: germline.
Comment: The PHIP c.2059G>A variant is predicted to result in the amino acid substitution p.Val687Ile. To our knowledge, this variant has not been reported in the literature. Isoleucine is found at this amino acid position in many vertebrates, suggesting this change may be tolerated. This variant is reported in 0.0080% of alleles in individuals of African descent in gnomAD. Although we suspect that this variant may be benign, the clinical significance of this variant is classified as uncertain at this time due to insufficient functional and genetic evidence.

Labcorp Genetics (formerly Invitae), Labcorp
Classification: Benign. Last evaluated: 2025-07-22. Review status: criteria provided, single submitter. Criteria: Invitae Variant Classification Sherloc (09022015). Collection method: clinical testing. Allele origin: germline.

Ambry Genetics
Classification: Likely benign for Inborn genetic diseases. Last evaluated: 2024-01-23. Review status: criteria provided, single submitter. Criteria: Ambry Variant Classification Scheme 2023. Collection method: clinical testing. Allele origin: germline.

NM_017934.7(PHIP):c.2059G>A (p.Val687Ile)

Gene: PHIP (PHIP subunit of CUL4-Ring ligase complex; minus strand). Cytogenetic location: 6q14.1.
Variant type: single nucleotide variant.
Coding change: c.2059G>A on transcript NM_017934.7 (MANE Select); coding-DNA position 2059, G replaced by A.
Protein change: p.Val687Ile; replaces valine 687 with isoleucine.
Molecular consequence: missense variant.
Genome position (GRCh38, 1-based): chr6:78,997,556, C>T on the plus strand (G>A on the coding strand, the complement: PHIP is on the minus strand). VCF-style: chr6-78997556-C-T. GRCh37 (hg19) VCF-style: chr6-79707273-C-T.
Other names: c.2059G>A (NM_017934.5, NM_017934.6); short protein forms V687I.
Identifiers: ClinVar variation 2895707 (VCV002895707.5), dbSNP rs369533112, ClinGen allele CA3900034.